The following is an entry in ClinVar:

NM_001378615.1(CC2D2A):c.538del (p.Gln180fs)

Genes: CC2D2A (coiled-coil and C2 domain containing 2A; plus strand), FBXL5 (F-box and leucine rich repeat protein 5; minus strand). Cytogenetic location: 4p15.32.
Variant type: Deletion.
Coding change: c.538del on transcript NM_001378615.1 (MANE Select); coding-DNA position 538, one base deleted (C; older notation c.538delC).
Protein change: p.Gln180fs; shifts the reading frame from glutamine 180.
Molecular consequence: frameshift variant.
Genome position (GRCh38, 1-based): chr4:15,510,238, C deleted; the last of 4 consecutive C bases (chr4:15,510,235-15,510,238); deleting any one gives the same sequence. VCF-style (leftmost placement, unchanged base first): chr4-15510234-AC-A. GRCh37 (hg19) VCF-style: chr4-15511857-AC-A.
Other names: c.538del, p.Gln180fs (NM_001080522.2); c.391del, p.Gln131fs (NM_001378617.1); short protein forms Q131fs, Q180fs.
Identifiers: ClinVar variation 5018903 (VCV005018903.2).

ClinVar aggregate classification (germline): Likely pathogenic (1 of 4 stars; one submission).

Conditions:
Retinitis pigmentosa 93. Identifiers: MedGen C5676970, MONDO:0030797, OMIM 619845.
COACH syndrome 2. Identifiers: MedGen C5436837, MONDO:0030859, OMIM 619111.
Joubert syndrome 9 (JBTS9). Identifiers: Orphanet 2318, MedGen C2676788, MONDO:0012849, OMIM 612285.
Meckel syndrome, type 6. Identifiers: Orphanet 564, MedGen C2676790, MONDO:0012848, OMIM 612284.

Submission:

Juno Genomics, Hangzhou Juno Genomics, Inc
Classification: Likely pathogenic for Retinitis pigmentosa 93; COACH syndrome 2; Joubert syndrome 9; Meckel syndrome, type 6. Review status: criteria provided, single submitter. Criteria: ACMG Guidelines, 2015. Collection method: clinical testing. Allele origin: germline.
Comment: Absent from controls (or at extremely low frequency if recessive) in Genome Aggregation Database.;Null variant in a gene where loss of function (LOF) is a known mechanism of disease.